The following is an entry in ClinVar:

NM_000179.3(MSH6):c.2316G>A (p.Arg772=)

Gene: MSH6 (mutS homolog 6; plus strand). Cytogenetic location: 2p16.3.
Variant type: single nucleotide variant.
Coding change: c.2316G>A on transcript NM_000179.3 (MANE Select); coding-DNA position 2316, G replaced by A.
Protein change: p.Arg772=; no amino-acid change (arginine 772 retained).
Molecular consequence: synonymous variant.
Genome position (GRCh38, 1-based): chr2:47,800,299, G>A. VCF-style: chr2-47800299-G-A. GRCh37 (hg19) VCF-style: chr2-48027438-G-A.
Other names: c.1926G>A, p.Arg642= (NM_001281492.2); c.1410G>A, p.Arg470= (NM_001281493.2, NM_001281494.2).
Identifiers: ClinVar variation 1611787 (VCV001611787.9), dbSNP rs2104400354, ClinGen allele CA426121454.

ClinVar aggregate classification (germline): Benign/Likely benign. Review status: criteria provided, multiple submitters, no conflicts (2 of 4 stars). 2 submissions from 2 submitters: Benign (1); Likely benign (1). Last evaluated 2024-12-31.

Conditions:
Hereditary nonpolyposis colorectal neoplasms. Identifiers: MedGen C0009405, MeSH D003123.
Lynch syndrome 5 (LYNCH5). Also called: Hereditary non-polyposis colorectal cancer, type 5; Colorectal cancer, hereditary nonpolyposis, type 5. Identifiers: Orphanet 144, MedGen C1833477, MONDO:0013710, OMIM 614350. Disease mechanism: loss of function.

Submissions (2):

Myriad Genetics, Inc.
Classification: Benign for Lynch syndrome 5. Last evaluated: 2024-12-31. Review status: criteria provided, single submitter. Criteria: Myriad Autosomal Dominant, Autosomal Recessive and X-Linked Classification Criteria (2023). Collection method: clinical testing. Allele origin: unknown.
Comment: This variant is considered benign. This variant is a silent/synonymous amino acid change and it is not expected to impact splicing.

Labcorp Genetics (formerly Invitae), Labcorp
Classification: Likely benign for Hereditary nonpolyposis colorectal neoplasms. Last evaluated: 2021-01-22. Review status: criteria provided, single submitter. Criteria: Invitae Variant Classification Sherloc (09022015). Collection method: clinical testing. Allele origin: germline.